The following is an entry in ClinVar:

NM_021831.6(AGBL5):c.1376T>C (p.Met459Thr)

Gene: AGBL5 (AGBL carboxypeptidase 5; plus strand). Cytogenetic location: 2p23.3.
Variant type: single nucleotide variant.
Coding change: c.1376T>C on transcript NM_021831.6 (MANE Select); coding-DNA position 1376, T replaced by C.
Protein change: p.Met459Thr; replaces methionine 459 with threonine.
Molecular consequence: missense variant. On other transcripts: non-coding transcript variant (2).
Genome position (GRCh38, 1-based): chr2:27,056,633, T>C. VCF-style: chr2-27056633-T-C. GRCh37 (hg19) VCF-style: chr2-27279501-T-C.
Other names: c.1376T>C, p.Met459Thr (NM_001035507.3); short protein forms M459T.
Identifiers: ClinVar variation 1465162 (VCV001465162.6), dbSNP rs1668445334, ClinGen allele CA346181823.
Genomic context (GRCh38, chr2:27,056,633, plus strand): 5'-CCTTGTCCCTTCTGTCTCTCCTTCTGAGTTGACTTTTCTTCCCCAAACAGGTGGAAAACA[T>C]GCTATATCCAAAGCTCATCTCCTTGAATTCAGCCCACTTCGACTTCCAGGGCTGCAATTT-3'
Protein context (NP_068603.4, residues 449-469): FSDESTQVEN[Met459Thr]LYPKLISLNS

ClinVar aggregate classification (germline): Uncertain significance (1 of 4 stars; one submission).

Submission:

Labcorp Genetics (formerly Invitae), Labcorp
Classification: Uncertain significance. Last evaluated: 2023-08-04. Review status: criteria provided, single submitter. Criteria: Invitae Variant Classification Sherloc (09022015). Collection method: clinical testing. Allele origin: germline.
Comment: In summary, the available evidence is currently insufficient to determine the role of this variant in disease. Therefore, it has been classified as a Variant of Uncertain Significance. An algorithm developed to predict the effect of missense changes on protein structure and function (PolyPhen-2) suggests that this variant is likely to be disruptive. ClinVar contains an entry for this variant (Variation ID: 1465162). This variant has not been reported in the literature in individuals affected with AGBL5-related conditions. This variant is not present in population databases (gnomAD no frequency). This sequence change replaces methionine, which is neutral and non-polar, with threonine, which is neutral and polar, at codon 459 of the AGBL5 protein (p.Met459Thr).